The following is an entry in ClinVar:

NM_013275.6(ANKRD11):c.1159G>C (p.Glu387Gln)

Gene: ANKRD11 (ankyrin repeat domain 11; minus strand). Cytogenetic location: 16q24.3.
Variant type: single nucleotide variant.
Coding change: c.1159G>C on transcript NM_013275.6 (MANE Select); coding-DNA position 1159, G replaced by C.
Protein change: p.Glu387Gln; replaces glutamic acid 387 with glutamine.
Molecular consequence: missense variant.
Genome position (GRCh38, 1-based): chr16:89,285,383, C>G on the plus strand (G>C on the coding strand, the complement: ANKRD11 is on the minus strand). VCF-style: chr16-89285383-C-G. GRCh37 (hg19) VCF-style: chr16-89351791-C-G.
Other names: c.1159G>C, p.Glu387Gln (NM_001256182.2, NM_001256183.2); short protein forms E387Q.
Identifiers: ClinVar variation 2726344 (VCV002726344.3), dbSNP rs921955964, ClinGen allele CA286521906.
Genomic context (GRCh38, chr16:89,285,383, plus strand): 5'-GGATACGATGGGACGCTTTCTTTGGTGCAATCGTGTTATTTTTAGTGTAACTTTTAACCT[C>G]CATTTTGGGTATAGAGATAAAACTATTGGATTTCGTTTCTTTTCTGTAGTCCTTTTTCAA-3'
Protein context (NP_037407.4, residues 377-397): SNSFISIPKM[Glu387Gln]VKSYTKNNTI

ClinVar aggregate classification (germline): Uncertain significance (1 of 4 stars; one submission).

Conditions:
KBG syndrome (KBGS). Also called: ANKRD11-Related KBG Syndrome. Identifiers: Orphanet 2332, MedGen C0220687, MONDO:0007846, OMIM 148050.

Allele frequency attached by ClinVar (database versions not stated): gnomAD exomes below 0.00001; gnomAD 0.00002; TOPMed 0.00002.
gnomAD v4.1: 4 of 1,613,980 alleles (0.00025%); highest among the groups gnomAD compares: African/African-American, 0.004%; no homozygotes.

Submission:

Labcorp Genetics (formerly Invitae), Labcorp
Classification: Uncertain significance for KBG syndrome. Last evaluated: 2023-10-29. Review status: criteria provided, single submitter. Criteria: Invitae Variant Classification Sherloc (09022015). Collection method: clinical testing. Allele origin: germline.
Comment: This sequence change replaces glutamic acid, which is acidic and polar, with glutamine, which is neutral and polar, at codon 387 of the ANKRD11 protein (p.Glu387Gln). This variant is present in population databases (no rsID available, gnomAD 0.003%). This variant has not been reported in the literature in individuals affected with ANKRD11-related conditions. Advanced modeling of protein sequence and biophysical properties (such as structural, functional, and spatial information, amino acid conservation, physicochemical variation, residue mobility, and thermodynamic stability) performed at Invitae indicates that this missense variant is not expected to disrupt ANKRD11 protein function with a negative predictive value of 95%. In summary, the available evidence is currently insufficient to determine the role of this variant in disease. Therefore, it has been classified as a Variant of Uncertain Significance.